The following is an entry in ClinVar:

NM_001377.3(DYNC2H1):c.10099C>A (p.Arg3367Ser)

Gene: DYNC2H1 (dynein cytoplasmic 2 heavy chain 1; plus strand). Cytogenetic location: 11q22.3.
Variant type: single nucleotide variant.
Coding change: c.10099C>A on transcript NM_001377.3 (MANE Select); coding-DNA position 10099, C replaced by A.
Protein change: p.Arg3367Ser; replaces arginine 3367 with serine.
Molecular consequence: missense variant.
Genome position (GRCh38, 1-based): chr11:103,253,341, C>A. VCF-style: chr11-103253341-C-A. GRCh37 (hg19) VCF-style: chr11-103124070-C-A.
Other names: c.10120C>A, p.Arg3374Ser (NM_001080463.2); short protein forms R3374S, R3367S.
Identifiers: ClinVar variation 2749617 (VCV002749617.5), dbSNP rs200710887, ClinGen allele CA6254887.

ClinVar aggregate classification (germline): Conflicting classifications of pathogenicity. Review status: criteria provided, conflicting classifications (1 of 4 stars). 3 submissions from 3 submitters: Likely pathogenic (1); Uncertain significance (2). Last evaluated 2026-09-08.

Conditions:
Asphyxiating thoracic dystrophy 3. Also called: SHORT-RIB THORACIC DYSPLASIA 3/6 WITH POLYDACTYLY, DIGENIC; SHORT-RIB THORACIC DYSPLASIA 3 WITH OR WITHOUT POLYDACTYLY; POLYDACTYLY WITH NEONATAL CHONDRODYSTROPHY, TYPE I; Short rib polydactyly syndrome 2B; Saldino-Noonan Syndrome. Identifiers: Orphanet 474, Orphanet 93269, Orphanet 93270, Orphanet 93271, MedGen C0036069, MONDO:0013127, OMIM 613091.
Jeune thoracic dystrophy. Also called: Jeune syndrome; Infantile thoracic dystrophy; Thoracic pelvic phalangeal dystrophy; Jeune's syndrome; Chondroectodermal dysplasia-like syndrome; Short-rib thoracic dysplasia. Identifiers: Orphanet 474, MedGen C0265275, MONDO:0018770.

Allele frequency attached by ClinVar (database versions not stated): 1000 Genomes Project 0.00020; ExAC 0.00004; 1000 Genomes Project 30x 0.00016.
gnomAD v4.1: 57 of 1,613,026 alleles (0.0035%); highest among the groups gnomAD compares: Non-Finnish European, 0.0036%; no homozygotes.

Submissions (3):

Myriad Genetics, Inc.
Classification: Uncertain significance for Asphyxiating thoracic dystrophy 3. Last evaluated: 2026-09-08. Review status: criteria provided, single submitter. Criteria: Myriad Autosomal Dominant, Autosomal Recessive and X-Linked Classification Criteria (2023). Collection method: clinical testing. Allele origin: unknown.
Comment: NM_001377.2(DYNC2H1):c.10099C>A(R3367S) is a missense variant classified as a variant of uncertain significance in the context of DYNC2H1-related disorders. R3367S has not been observed in cases with relevant disease. Relevant functional assessments of this variant are not available in the literature. R3367S has been observed in referenced population frequency databases. In summary, there is insufficient evidence to classify NM_001377.2(DYNC2H1):c.10099C>A(R3367S) as pathogenic or benign. Please note: this variant was assessed in the context of healthy population screening.

Blueprint Genetics
Classification: Uncertain significance. Last evaluated: 2023-11-16. Review status: criteria provided, single submitter. Criteria: ACMG Guidelines, 2015. Collection method: clinical testing. Allele origin: germline.

Labcorp Genetics (formerly Invitae), Labcorp
Classification: Likely pathogenic for Jeune thoracic dystrophy. Last evaluated: 2023-08-14. Review status: criteria provided, single submitter. Criteria: Invitae Variant Classification Sherloc (09022015). Collection method: clinical testing. Allele origin: germline.
Comment: This sequence change replaces arginine, which is basic and polar, with serine, which is neutral and polar, at codon 3374 of the DYNC2H1 protein (p.Arg3374Ser). This variant is present in population databases (rs200710887, gnomAD 0.02%). This variant has not been reported in the literature in individuals affected with DYNC2H1-related conditions. Advanced modeling of protein sequence and biophysical properties (such as structural, functional, and spatial information, amino acid conservation, physicochemical variation, residue mobility, and thermodynamic stability) performed at Invitae indicates that this missense variant is expected to disrupt DYNC2H1 protein function. This variant disrupts the p.Arg3374 amino acid residue in DYNC2H1. Other variant(s) that disrupt this residue have been determined to be pathogenic (PMID: 26938784, 28832562, 29453417; Invitae). This suggests that this residue is clinically significant, and that variants that disrupt this residue are likely to be disease-causing. In summary, the currently available evidence indicates that the variant is pathogenic, but additional data are needed to prove that conclusively. Therefore, this variant has been classified as Likely Pathogenic.

Literature cited by the submitters: PubMed 26938784 (cited by Labcorp Genetics (formerly Invitae), Labcorp); PubMed 28832562 (cited by Labcorp Genetics (formerly Invitae), Labcorp); PubMed 29453417 (cited by Labcorp Genetics (formerly Invitae), Labcorp).